The following is an entry in ClinVar:

ClinVar aggregate classification (germline): Conflicting classifications of pathogenicity. Review status: criteria provided, conflicting classifications (1 of 4 stars). 3 submissions from 3 submitters: Uncertain significance (1); Likely benign (2). Last evaluated 2023-10-30.

Conditions:
Hereditary cancer-predisposing syndrome. Also called: Neoplastic Syndromes, Hereditary; Tumor predisposition; Hereditary Cancer Syndrome; Hereditary neoplastic syndrome. Identifiers: Orphanet 140162, MedGen C0027672, MeSH D009386, MONDO:0015356.
Hereditary breast ovarian cancer syndrome. Also called: Hereditary breast and ovarian cancer syndrome; Hereditary breast and ovarian cancer; Hereditary breast and ovarian cancer syndrome (HBOC); Breast and ovarian cancer; Hereditary breast and/or ovarian cancer syndrome; BRCA1- and BRCA2-Associated Hereditary Breast and Ovarian Cancer. Identifiers: Orphanet 145, MedGen C0677776, MeSH D061325, MONDO:0003582. Disease mechanism: loss of function.

Allele frequency attached by ClinVar (database versions not stated): TOPMed below 0.00001; gnomAD 0.00001.
gnomAD v4.1: 2 of 1,613,968 alleles (0.00012%); highest among the groups gnomAD compares: African/African-American, 0.0027%; no homozygotes.

Submissions (3):

Labcorp Genetics (formerly Invitae), Labcorp
Classification: Uncertain significance for Hereditary breast ovarian cancer syndrome. Last evaluated: 2023-10-30. Review status: criteria provided, single submitter. Criteria: Invitae Variant Classification Sherloc (09022015). Collection method: clinical testing. Allele origin: germline.
Comment: This sequence change replaces glutamic acid, which is acidic and polar, with glycine, which is neutral and non-polar, at codon 755 of the BRCA1 protein (p.Glu755Gly). This variant is present in population databases (no rsID available, gnomAD 0.01%). This variant has not been reported in the literature in individuals affected with BRCA1-related conditions. ClinVar contains an entry for this variant (Variation ID: 482906). Advanced modeling of protein sequence and biophysical properties (such as structural, functional, and spatial information, amino acid conservation, physicochemical variation, residue mobility, and thermodynamic stability) performed at Invitae indicates that this missense variant is not expected to disrupt BRCA1 protein function with a negative predictive value of 95%. In summary, the available evidence is currently insufficient to determine the role of this variant in disease. Therefore, it has been classified as a Variant of Uncertain Significance.

University of Washington Department of Laboratory Medicine, University of Washington
Classification: Likely benign for Hereditary cancer-predisposing syndrome. Last evaluated: 2023-03-23. Review status: criteria provided, single submitter. Criteria: Dines et al. (Genet Med. 2020). Collection method: curation. Allele origin: germline.
Comment: Missense variant in a coldspot region where missense variants are very unlikely to be pathogenic (PMID:31911673).

BRCA1 coldspot (exon 11 using historical exon numbering). Reclassification based on statistical prior probability

Ambry Genetics
Classification: Likely benign for Hereditary cancer-predisposing syndrome. Last evaluated: 2019-11-07. Review status: criteria provided, single submitter. Criteria: Ambry Variant Classification Scheme 2023. Collection method: clinical testing. Allele origin: germline.

NM_007294.4(BRCA1):c.2264A>G (p.Glu755Gly)

Gene: BRCA1 (BRCA1 DNA repair associated; minus strand). Cytogenetic location: 17q21.31.
Variant type: single nucleotide variant.
Coding change: c.2264A>G on transcript NM_007294.4 (MANE Select); coding-DNA position 2264, A replaced by G.
Protein change: p.Glu755Gly; replaces glutamic acid 755 with glycine.
Molecular consequence: missense variant. On other transcripts: intron variant (137).
Genome position (GRCh38, 1-based): chr17:43,093,267, T>C on the plus strand (A>G on the coding strand, the complement: BRCA1 is on the minus strand). VCF-style: chr17-43093267-T-C. GRCh37 (hg19) VCF-style: chr17-41245284-T-C.
Other names: c.2051A>G, p.Glu684Gly (NM_001407571.1, NM_001407853.1, NM_001407894.1 and 9 more transcripts); c.2264A>G, p.Glu755Gly (NM_001407581.1, NM_001407582.1, NM_001407583.1 and 30 more transcripts); c.2261A>G, p.Glu754Gly (NM_001407587.1, NM_001407590.1, NM_001407591.1 and 22 more transcripts); c.2255A>G, p.Glu752Gly (NM_001407646.1, NM_001407647.1); c.2141A>G, p.Glu714Gly (NM_001407648.1, NM_001407664.1, NM_001407665.1 and 19 more transcripts); c.2138A>G, p.Glu713Gly (NM_001407649.1, NM_001407670.1, NM_001407671.1 and 11 more transcripts); c.2186A>G, p.Glu729Gly (NM_001407653.1, NM_001407654.1, NM_001407655.1 and 4 more transcripts); c.2183A>G, p.Glu728Gly (NM_001407659.1, NM_001407660.1, NM_001407661.1 and 1 more transcripts); and 41 more; short protein forms E755G, E708G, E666G, E688G, E752G, E754G, E627G, E628G.
Identifiers: ClinVar variation 482906 (VCV000482906.14), dbSNP rs922908090, ClinGen allele CA10597471.
Genomic context (GRCh38, chr17:43,093,267, plus strand): 5'-GTACCAGGTACCAATGAAATACTGCTACTCTCTACAGATCTTTCAGTTTGCAAAACCCTT[T>C]CTCCACTTAACATGAGATCTTTGGGGTCTTCAGCATTATTAGACACTTTAACTGTTTCTA-3'
Protein context (NP_009225.1, residues 745-765): EDPKDLMLSG[Glu755Gly]RVLQTERSVE